The following is an entry in ClinVar:

ClinVar aggregate classification (germline): Uncertain significance (1 of 4 stars; one submission).

Conditions:
Hereditary sensory and autonomic neuropathy with spastic paraplegia (HSNSP). Identifiers: Orphanet 139578, MedGen C1850395, MONDO:0009748, OMIM 256840.

Allele frequency attached by ClinVar (database versions not stated): gnomAD 0.00003 and 0.00004; gnomAD exomes 0.00004 and 0.00005; ExAC 0.00006; TOPMed 0.00007; ESP Exome Variant Server 0.00023.
gnomAD v4.1: 64 of 1,614,020 alleles (0.004%); highest among the groups gnomAD compares: Non-Finnish European, 0.0047%; no homozygotes.

Submission:

Labcorp Genetics (formerly Invitae), Labcorp
Classification: Uncertain significance for Hereditary sensory and autonomic neuropathy with spastic paraplegia. Last evaluated: 2025-11-30. Review status: criteria provided, single submitter. Criteria: Invitae Variant Classification Sherloc (09022015). Collection method: clinical testing. Allele origin: germline.
Comment: This sequence change replaces alanine, which is neutral and non-polar, with valine, which is neutral and non-polar, at codon 437 of the CCT5 protein (p.Ala437Val). This variant is present in population databases (rs149067488, gnomAD 0.007%). This variant has not been reported in the literature in individuals affected with CCT5-related conditions. ClinVar contains an entry for this variant (Variation ID: 575826). Experimental studies and prediction algorithms are not available or were not evaluated, and the functional significance of this variant is currently unknown. In summary, the available evidence is currently insufficient to determine the role of this variant in disease. Therefore, it has been classified as a Variant of Uncertain Significance.

NM_012073.5(CCT5):c.1310C>T (p.Ala437Val)

Gene: CCT5 (chaperonin containing TCP1 subunit 5; plus strand). Cytogenetic location: 5p15.2.
Variant type: single nucleotide variant.
Coding change: c.1310C>T on transcript NM_012073.5 (MANE Select); coding-DNA position 1310, C replaced by T.
Protein change: p.Ala437Val; replaces alanine 437 with valine.
Molecular consequence: missense variant.
Genome position (GRCh38, 1-based): chr5:10,262,611, C>T. VCF-style: chr5-10262611-C-T. GRCh37 (hg19) VCF-style: chr5-10262723-C-T.
Other names: c.1247C>T, p.Ala416Val (NM_001306153.1); c.1145C>T, p.Ala382Val (NM_001306154.2); c.1031C>T, p.Ala344Val (NM_001306155.2); c.1196C>T, p.Ala399Val (NM_001306156.2); short protein forms A437V, A344V, A416V, A399V, A382V.
Identifiers: ClinVar variation 575826 (VCV000575826.8), dbSNP rs149067488, ClinGen allele CA3198318.
Genomic context (GRCh38, chr5:10,262,611, plus strand): 5'-GTGTGGTGTATGGAGGAGGGGCTGCTGAGATATCCTGTGCCCTGGCAGTTAGCCAAGAGG[C>T]GGATAAGGTAAGGGATCTGTGCAGACTTAGTGAAAGATTCAGGCCTCGCTGATGGTGGAG-3'
Protein context (NP_036205.1, residues 427-447): ISCALAVSQE[Ala437Val]DKCPTLEQYA